The following is an entry in ClinVar:

ClinVar aggregate classification (germline): Uncertain significance. Review status: criteria provided, multiple submitters, no conflicts (2 of 4 stars). 3 submissions from 3 submitters: Uncertain significance (3). Last evaluated 2025-03-25.

Allele frequency attached by ClinVar (database versions not stated): gnomAD exomes below 0.00001.
gnomAD v4.1: 3 of 1,614,208 alleles (0.00019%); highest among the groups gnomAD compares: Admixed American, 0.0033%; no homozygotes.

Submissions (3):

Labcorp Genetics (formerly Invitae), Labcorp
Classification: Uncertain significance. Last evaluated: 2025-03-25. Review status: criteria provided, single submitter. Criteria: Invitae Variant Classification Sherloc (09022015). Collection method: clinical testing. Allele origin: germline.
Comment: This sequence change replaces asparagine, which is neutral and polar, with serine, which is neutral and polar, at codon 275 of the PRPF4 protein (p.Asn275Ser). This variant is present in population databases (no rsID available, gnomAD 0.01%). This variant has not been reported in the literature in individuals affected with PRPF4-related conditions. ClinVar contains an entry for this variant (Variation ID: 2400487). An algorithm developed to predict the effect of missense changes on protein structure and function (PolyPhen-2) suggests that this variant is likely to be tolerated. In summary, the available evidence is currently insufficient to determine the role of this variant in disease. Therefore, it has been classified as a Variant of Uncertain Significance.

Ambry Genetics
Classification: Uncertain significance. Last evaluated: 2024-10-06. Review status: criteria provided, single submitter. Criteria: Ambry Variant Classification Scheme 2023. Collection method: clinical testing. Allele origin: germline.

Blueprint Genetics
Classification: Uncertain significance. Last evaluated: 2020-02-06. Review status: criteria provided, single submitter. Criteria: ACMG Guidelines, 2015. Collection method: clinical testing. Allele origin: germline.

NM_001244926.2(PRPF4):c.821A>G (p.Asn274Ser)

Gene: PRPF4 (pre-mRNA splicing tri-snRNP complex factor PRPF4; plus strand). Cytogenetic location: 9q32.
Variant type: single nucleotide variant.
Coding change: c.821A>G on transcript NM_001244926.2 (MANE Select); coding-DNA position 821, A replaced by G.
Protein change: p.Asn274Ser; replaces asparagine 274 with serine.
Molecular consequence: missense variant. On other transcripts: non-coding transcript variant (2).
Genome position (GRCh38, 1-based): chr9:113,286,717, A>G. VCF-style: chr9-113286717-A-G. GRCh37 (hg19) VCF-style: chr9-116048997-A-G.
Other names: c.95A>G, p.Asn32Ser (NM_001322266.2, NM_001322267.2); c.824A>G, p.Asn275Ser (NM_004697.5); short protein forms N275S, N274S, N32S.
Identifiers: ClinVar variation 2400487 (VCV002400487.5), dbSNP rs1488196177, ClinGen allele CA374553937.
Genomic context (GRCh38, chr9:113,286,717, plus strand): 5'-TATAAAGAGGCAGGAACCTTTTAACTTGCATCTCTTACACTCCTTTAGGGCATAACACAA[A>G]TGTAGGAGCAATTGTATTCCATCCCAAATCCACTGTCTCCTTGGACCCAAAAGATGTCAA-3'
Protein context (NP_001231855.1, residues 264-284): LLHTLRGHNT[Asn274Ser]VGAIVFHPKS